The following is an entry in ClinVar:

ClinVar aggregate classification (germline): Uncertain significance (1 of 4 stars; one submission).

Conditions:
Primary dilated cardiomyopathy (DCM). Also called: Dilated Cardiomyopathy. Identifiers: Orphanet 217604, MedGen C0007193, MeSH D002311, MONDO:0005021, HP:0001644. Inheritance: Various modes of inheritance.
Hypertrophic cardiomyopathy. Also called: HYPERTROPHIC MYOCARDIOPATHY. Identifiers: Orphanet 217569, MedGen C0007194, MeSH D002312, MONDO:0005045, HP:0001639.

Allele frequency attached by ClinVar (database versions not stated): TOPMed below 0.00001; ExAC 0.00001; gnomAD exomes 0.00001.
gnomAD v4.1: 11 of 1,614,194 alleles (0.00068%); highest among the groups gnomAD compares: South Asian, 0.0011%; no homozygotes.

Submission:

Labcorp Genetics (formerly Invitae), Labcorp
Classification: Uncertain significance for Hypertrophic cardiomyopathy; Primary dilated cardiomyopathy. Last evaluated: 2021-11-01. Review status: criteria provided, single submitter. Criteria: Invitae Variant Classification Sherloc (09022015). Collection method: clinical testing. Allele origin: germline.
Comment: This sequence change replaces arginine, which is basic and polar, with cysteine, which is neutral and slightly polar, at codon 348 of the PDLIM3 protein (p.Arg348Cys). This variant is present in population databases (rs772981250, gnomAD 0.002%). This variant has not been reported in the literature in individuals affected with PDLIM3-related conditions. Algorithms developed to predict the effect of missense changes on protein structure and function (SIFT, PolyPhen-2, Align-GVGD) all suggest that this variant is likely to be disruptive. In summary, the available evidence is currently insufficient to determine the role of this variant in disease. Therefore, it has been classified as a Variant of Uncertain Significance.

NM_014476.6(PDLIM3):c.1042C>T (p.Arg348Cys)

Gene: PDLIM3 (PDZ and LIM domain 3; minus strand). Cytogenetic location: 4q35.1.
Variant type: single nucleotide variant.
Coding change: c.1042C>T on transcript NM_014476.6 (MANE Select); coding-DNA position 1042, C replaced by T.
Protein change: p.Arg348Cys; replaces arginine 348 with cysteine.
Molecular consequence: missense variant. On other transcripts: non-coding transcript variant (1).
Genome position (GRCh38, 1-based): chr4:185,502,347, G>A on the plus strand (C>T on the coding strand, the complement: PDLIM3 is on the minus strand). VCF-style: chr4-185502347-G-A. GRCh37 (hg19) VCF-style: chr4-186423501-G-A.
Other names: c.898C>T, p.Arg300Cys (NM_001114107.5); c.778C>T, p.Arg260Cys (NM_001257962.2); c.541C>T, p.Arg181Cys (NM_001257963.2); short protein forms R348C, R181C, R260C, R300C.
Identifiers: ClinVar variation 1408160 (VCV001408160.6), dbSNP rs772981250, ClinGen allele CA3159600.